The following is an entry in ClinVar:

NM_001288705.3(CSF1R):c.1418C>A (p.Thr473Asn)

Gene: CSF1R (colony stimulating factor 1 receptor; minus strand). Cytogenetic location: 5q32.
Variant type: single nucleotide variant.
Coding change: c.1418C>A on transcript NM_001288705.3 (MANE Select); coding-DNA position 1418, C replaced by A.
Protein change: p.Thr473Asn; replaces threonine 473 with asparagine.
Molecular consequence: missense variant. On other transcripts: non-coding transcript variant (2).
Genome position (GRCh38, 1-based): chr5:150,069,965, G>T on the plus strand (C>A on the coding strand, the complement: CSF1R is on the minus strand). VCF-style: chr5-150069965-G-T. GRCh37 (hg19) VCF-style: chr5-149449528-G-T.
Other names: c.1418C>A, p.Thr473Asn (NM_001349736.2, NM_001375320.1, NM_005211.4); c.974C>A, p.Thr325Asn (NM_001375321.1); short protein forms T325N, T473N.
Identifiers: ClinVar variation 4681967 (VCV004681967.5).

ClinVar aggregate classification (germline): Uncertain significance (1 of 4 stars; one submission).

Submission:

CeGaT Center for Human Genetics Tuebingen
Classification: Uncertain significance. Last evaluated: 2025-12-01. Review status: criteria provided, single submitter. Criteria: CeGaT Center For Human Genetics Tuebingen Variant Classification Criteria Version 2. Collection method: clinical testing. Allele origin: germline. Affected: yes. Observed: 1 variant allele.
Comment: CSF1R: PM2, BP4